The following is an entry in ClinVar:

NM_020738.4(KIDINS220):c.1089T>C (p.Ala363=)

Gene: KIDINS220 (kinase D interacting substrate 220; minus strand). Cytogenetic location: 2p25.1.
Variant type: single nucleotide variant.
Coding change: c.1089T>C on transcript NM_020738.4 (MANE Select); coding-DNA position 1089, T replaced by C.
Protein change: p.Ala363=; no amino-acid change (alanine 363 retained).
Molecular consequence: synonymous variant. On other transcripts: non-coding transcript variant (2).
Genome position (GRCh38, 1-based): chr2:8,796,780, A>G on the plus strand (T>C on the coding strand, the complement: KIDINS220 is on the minus strand). VCF-style: chr2-8796780-A-G. GRCh37 (hg19) VCF-style: chr2-8936910-A-G.
Other names: c.1092T>C, p.Ala364= (NM_001348729.2, NM_001348731.2, NM_001348734.2 and 3 more transcripts); c.1089T>C, p.Ala363= (NM_001348732.2, NM_001348735.2, NM_001348738.2 and 3 more transcripts); c.963T>C, p.Ala321= (NM_001348736.2); c.1089T>C (NM_020738.2).
Identifiers: ClinVar variation 1616656 (VCV001616656.9), dbSNP rs1372968683, ClinGen allele CA424777369.

ClinVar aggregate classification (germline): Likely benign. Review status: criteria provided, single submitter (1 of 4 stars). 2 submissions from 2 submitters: Likely benign (1). 1 of the submissions does not count toward it. Last evaluated 2023-01-31.

Conditions:
KIDINS220-related disorder. Also called: KIDINS220-related condition.

Allele frequency attached by ClinVar (database versions not stated): gnomAD 0.00001; TOPMed 0.00001.
gnomAD v4.1: 1 of 1,613,208 alleles (0.000062%); highest among the groups gnomAD compares: African/African-American, 0.0013%; no homozygotes.

Submissions (2):

Labcorp Genetics (formerly Invitae), Labcorp
Classification: Likely benign. Last evaluated: 2023-01-31. Review status: criteria provided, single submitter. Criteria: Invitae Variant Classification Sherloc (09022015). Collection method: clinical testing. Allele origin: germline.

PreventionGenetics, part of Exact Sciences
Classification: Likely benign for KIDINS220-related condition. Last evaluated: 2022-01-10. Review status: no assertion criteria provided. Collection method: clinical testing. Allele origin: germline. Not counted in ClinVar's aggregate classification.
Comment: This variant is classified as likely benign based on ACMG/AMP sequence variant interpretation guidelines (Richards et al. 2015 PMID: 25741868, with internal and published modifications).